The following is an entry in ClinVar:

NM_018082.6(POLR3B):c.1958A>T (p.Asp653Val)

Gene: POLR3B (RNA polymerase III subunit B; plus strand). Cytogenetic location: 12q23.3.
Variant type: single nucleotide variant.
Coding change: c.1958A>T on transcript NM_018082.6 (MANE Select); coding-DNA position 1958, A replaced by T.
Protein change: p.Asp653Val; replaces aspartic acid 653 with valine.
Molecular consequence: missense variant.
Genome position (GRCh38, 1-based): chr12:106,444,465, A>T. VCF-style: chr12-106444465-A-T. GRCh37 (hg19) VCF-style: chr12-106838243-A-T.
Other names: p.Asp653Val; c.1784A>T, p.Asp595Val (NM_001160708.2); short protein forms D653V, D595V.
Identifiers: ClinVar variation 306940 (VCV000306940.49), dbSNP rs144161033, ClinGen allele CA6762087.

ClinVar aggregate classification (germline): Benign/Likely benign. Review status: criteria provided, multiple submitters, no conflicts (2 of 4 stars). 5 submissions from 5 submitters: Benign (2); Likely benign (3). Last evaluated 2026-09-01.

Conditions:
Leukodystrophy, hypomyelinating, 8, with or without oligodontia and/or hypogonadotropic hypogonadism. Also called: LEUKODYSTROPHY, HYPOMYELINATING, 8, WITH HYPODONTIA AND HYPOGONADOTROPIC HYPOGONADISM; Hypomyelinating leukodystrophy 8 with or without oligodontia and-or hypogonadotropic hypogonadism; Endosteal sclerosis-cerebellar hypoplasia syndrome. Identifiers: Orphanet 85186, Orphanet 88637, MedGen C3280644, MONDO:0013722, OMIM 614381.

Allele frequency attached by ClinVar (database versions not stated): 1000 Genomes Project 30x 0.00234; TOPMed 0.00296; ESP Exome Variant Server 0.00331; gnomAD 0.00581 and 0.00571; 1000 Genomes Project 0.00260.
gnomAD v4.1: 8,569 of 1,613,678 alleles (0.53%); highest among the groups gnomAD compares: Non-Finnish European, 0.49%; 56 homozygotes.

Submissions (5):

CeGaT Center for Human Genetics Tuebingen
Classification: Likely benign. Last evaluated: 2026-09-01. Review status: criteria provided, single submitter. Criteria: CeGaT Center For Human Genetics Tuebingen Variant Classification Criteria Version 2. Collection method: clinical testing. Allele origin: germline. Affected: yes. Observed: 43 variant alleles.
Comment: POLR3B: BS2

Labcorp Genetics (formerly Invitae), Labcorp
Classification: Benign. Last evaluated: 2026-02-01. Review status: criteria provided, single submitter. Criteria: Invitae Variant Classification Sherloc (09022015). Collection method: clinical testing. Allele origin: germline.

Mayo Clinic Laboratories, Mayo Clinic
Classification: Benign. Last evaluated: 2024-01-04. Review status: criteria provided, single submitter. Criteria: ACMG Guidelines, 2015. Collection method: clinical testing. Allele origin: germline. Observed: 3 variant alleles.
Comment: BS1, BS2

GeneDx
Classification: Likely benign. Last evaluated: 2020-05-15. Review status: criteria provided, single submitter. Criteria: GeneDx Variant Classification Process June 2021. Collection method: clinical testing. Allele origin: germline. Affected: yes.

Illumina Laboratory Services, Illumina
Classification: Likely benign for Leukodystrophy, hypomyelinating, 8, with or without oligodontia and/or hypogonadotropic hypogonadism. Last evaluated: 2018-01-12. Review status: criteria provided, single submitter. Criteria: ICSL Variant Classification Criteria 13 December 2019. Collection method: clinical testing. Allele origin: germline.
Comment: This variant was observed in the ICSL laboratory as part of a predisposition screen in an ostensibly healthy population. It had not been previously curated by ICSL or reported in the Human Gene Mutation Database (HGMD: prior to June 1st, 2018), and was therefore a candidate for classification through an automated scoring system. Utilizing variant allele frequency, disease prevalence and penetrance estimates, and inheritance mode, an automated score was calculated to assess if this variant is too frequent to cause the disease. Based on the score and internal cut-off values, a variant classified as likely benign is not then subjected to further curation. The score for this variant resulted in a classification of likely benign for this disease.